The following is an entry in ClinVar:

ClinVar aggregate classification (germline): Uncertain significance (1 of 4 stars; one submission).

Submission:

Labcorp Genetics (formerly Invitae), Labcorp
Classification: Uncertain significance. Last evaluated: 2022-07-26. Review status: criteria provided, single submitter. Criteria: Invitae Variant Classification Sherloc (09022015). Collection method: clinical testing. Allele origin: germline.
Comment: This sequence change replaces alanine, which is neutral and non-polar, with serine, which is neutral and polar, at codon 2686 of the PCLO protein (p.Ala2686Ser). In summary, the available evidence is currently insufficient to determine the role of this variant in disease. Therefore, it has been classified as a Variant of Uncertain Significance. Algorithms developed to predict the effect of missense changes on protein structure and function are either unavailable or do not agree on the potential impact of this missense change (SIFT: "Tolerated"; PolyPhen-2: "Not Available"; Align-GVGD: "Class C0"). ClinVar contains an entry for this variant (Variation ID: 1507183). This variant has not been reported in the literature in individuals affected with PCLO-related conditions. This variant is not present in population databases (gnomAD no frequency).

NM_033026.6(PCLO):c.8056G>T (p.Ala2686Ser)

Gene: PCLO (piccolo presynaptic cytomatrix protein; minus strand). Cytogenetic location: 7q21.11.
Variant type: single nucleotide variant.
Coding change: c.8056G>T on transcript NM_033026.6 (MANE Select); coding-DNA position 8056, G replaced by T.
Protein change: p.Ala2686Ser; replaces alanine 2686 with serine.
Molecular consequence: missense variant.
Genome position (GRCh38, 1-based): chr7:82,952,897, C>A on the plus strand (G>T on the coding strand, the complement: PCLO is on the minus strand). VCF-style: chr7-82952897-C-A. GRCh37 (hg19) VCF-style: chr7-82582213-C-A.
Other names: c.8056G>T, p.Ala2686Ser (NM_014510.3); short protein forms A2686S.
Identifiers: ClinVar variation 1507183 (VCV001507183.8), dbSNP rs2116436675, ClinGen allele CA367912265.